The following is an entry in ClinVar:

NM_030962.4(SBF2):c.862-9C>A

Gene: SBF2 (SET binding factor 2; minus strand). Cytogenetic location: 11p15.4.
Variant type: single nucleotide variant.
Coding change: c.862-9C>A on transcript NM_030962.4 (MANE Select); 9 bases into the intron before coding-DNA position 862, C replaced by A.
Molecular consequence: intron variant.
Genome position (GRCh38, 1-based): chr11:9,998,388, G>T on the plus strand (C>A on the coding strand, the complement: SBF2 is on the minus strand). VCF-style: chr11-9998388-G-T. GRCh37 (hg19) VCF-style: chr11-10019935-G-T.
Other names: c.862-9C>A (NM_001386342.1, NM_001386339.1).
Identifiers: ClinVar variation 507489 (VCV000507489.3), dbSNP rs1554979581, ClinGen allele CA658797592.

ClinVar aggregate classification (germline): Likely benign. Review status: criteria provided, multiple submitters, no conflicts (2 of 4 stars). 2 submissions from 2 submitters: Likely benign (2). Last evaluated 2024-11-24.

Conditions:
Charcot-Marie-Tooth disease type 4. Also called: Charcot-Marie-Tooth disease, type IV; Charcot-Marie-Tooth, Type 4. Identifiers: Orphanet 64749, MedGen C4082197, MONDO:0018995.

Allele frequency attached by ClinVar (database versions not stated): TOPMed below 0.00001.

Submissions (2):

Labcorp Genetics (formerly Invitae), Labcorp
Classification: Likely benign for Charcot-Marie-Tooth disease type 4. Last evaluated: 2024-11-24. Review status: criteria provided, single submitter. Criteria: Invitae Variant Classification Sherloc (09022015). Collection method: clinical testing. Allele origin: germline.

GeneDx
Classification: Likely benign. Last evaluated: 2017-02-24. Review status: criteria provided, single submitter. Criteria: GeneDx Variant Classification (06012015). Collection method: clinical testing. Allele origin: germline. Affected: yes.
Comment: This variant is considered likely benign or benign based on one or more of the following criteria: it is a conservative change, it occurs at a poorly conserved position in the protein, it is predicted to be benign by multiple in silico algorithms, and/or has population frequency not consistent with disease.